The following is an entry in ClinVar:

ClinVar aggregate classification (germline): Uncertain significance. Review status: criteria provided, multiple submitters, no conflicts (2 of 4 stars). 4 submissions from 4 submitters: Uncertain significance (4). Last evaluated 2025-08-21.

Conditions:
Inborn genetic diseases. Identifiers: MedGen C0950123, MeSH D030342.
Dyskeratosis congenita, autosomal recessive 5 (DKCB5). Identifiers: MedGen C3554656, MONDO:0014076, OMIM 615190.
Pulmonary fibrosis and/or bone marrow failure, Telomere-related, 3. Also called: PULMONARY FIBROSIS AND/OR BONE MARROW FAILURE SYNDROME, TELOMERE-RELATED, 3. Identifiers: Orphanet 2032, MedGen C4225346, MONDO:0014613, OMIM 616373.
RTEL1-related disorder. Also called: RTEL1-related disorders; RTEL1-related condition.

Allele frequency attached by ClinVar (database versions not stated): gnomAD exomes below 0.00001; TOPMed below 0.00001.
gnomAD v4.1: 1 of 1,612,656 alleles (0.000062%); highest among the groups gnomAD compares: Non-Finnish European, 0.000085%; no homozygotes.

Submissions (4):

GeneDx
Classification: Uncertain significance. Last evaluated: 2025-08-21. Review status: criteria provided, single submitter. Criteria: GeneDx Variant Classification Process June 2021. Collection method: clinical testing. Allele origin: germline. Affected: yes.
Comment: In silico analysis supports that this missense variant has a deleterious effect on protein structure/function; Not observed at significant frequency in large population cohorts (gnomAD)

PreventionGenetics, part of Exact Sciences
Classification: Uncertain significance for RTEL1-related condition. Last evaluated: 2025-03-04. Review status: criteria provided, single submitter. Criteria: ACMG Guidelines, 2015. Collection method: clinical testing. Allele origin: germline.
Comment: The RTEL1 c.1742T>C variant is predicted to result in the amino acid substitution p.Leu581Pro. This variant has been reported in the homozygous state in an infant with features suggestive of autosomal recessive dyskeratosis congenita (Spall et al. 2024. DOI: 10.1016/j.anai.2024.08.683). To our knowledge, this variant has not been reported in a large population database (gnomAD), indicating this variant is rare. Although we suspect this variant is pathogenic, at this time, the clinical significance of this variant is uncertain due to the absence of conclusive functional and genetic evidence.

Ambry Genetics
Classification: Uncertain significance for Inborn genetic diseases. Last evaluated: 2025-01-13. Review status: criteria provided, single submitter. Criteria: Ambry Variant Classification Scheme 2023. Collection method: clinical testing. Allele origin: germline.
Comment: The p.L557P variant (also known as c.1670T>C), located in coding exon 19 of the RTEL1 gene, results from a T to C substitution at nucleotide position 1670. The leucine at codon 557 is replaced by proline, an amino acid with similar properties. This amino acid position is conserved. In addition, this alteration is predicted to be deleterious by in silico analysis. Based on the available evidence, the clinical significance of this variant remains unclear.

Labcorp Genetics (formerly Invitae), Labcorp
Classification: Uncertain significance for Dyskeratosis congenita, autosomal recessive 5; Pulmonary fibrosis and/or bone marrow failure, Telomere-related, 3. Last evaluated: 2024-03-15. Review status: criteria provided, single submitter. Criteria: Invitae Variant Classification Sherloc (09022015). Collection method: clinical testing. Allele origin: germline.
Comment: This sequence change replaces leucine, which is neutral and non-polar, with proline, which is neutral and non-polar, at codon 557 of the RTEL1 protein (p.Leu557Pro). This variant is not present in population databases (gnomAD no frequency). This variant has not been reported in the literature in individuals affected with RTEL1-related conditions. ClinVar contains an entry for this variant (Variation ID: 657363). An algorithm developed to predict the effect of missense changes on protein structure and function (PolyPhen-2) suggests that this variant is likely to be disruptive. In summary, the available evidence is currently insufficient to determine the role of this variant in disease. Therefore, it has been classified as a Variant of Uncertain Significance.

NM_001283009.2(RTEL1):c.1670T>C (p.Leu557Pro)

Genes: RTEL1-TNFRSF6B (RTEL1-TNFRSF6B readthrough (NMD candidate); plus strand), RTEL1 (regulator of telomere elongation helicase 1; plus strand). Cytogenetic location: 20q13.33.
Variant type: single nucleotide variant.
Coding change: c.1670T>C on transcript NM_001283009.2 (MANE Select); coding-DNA position 1670, T replaced by C.
Protein change: p.Leu557Pro; replaces leucine 557 with proline.
Molecular consequence: missense variant. On other transcripts: non-coding transcript variant (1).
Genome position (GRCh38, 1-based): chr20:63,688,334, T>C. VCF-style: chr20-63688334-T-C. GRCh37 (hg19) VCF-style: chr20-62319687-T-C.
Other names: c.1001T>C, p.Leu334Pro (NM_001283010.1); c.1670T>C, p.Leu557Pro (NM_016434.4); c.1742T>C, p.Leu581Pro (NM_032957.5); short protein forms L334P, L557P, L581P.
Identifiers: ClinVar variation 657363 (VCV000657363.9), dbSNP rs1601164500, ClinGen allele CA409677646.